The following is an entry in ClinVar:

NM_078470.6(COX15):c.*3417T>C

Genes: COX15 (cytochrome c oxidase assembly factor COX15; minus strand), ENTPD7 (ectonucleoside triphosphate diphosphohydrolase 7; plus strand). Cytogenetic location: 10q24.2.
Variant type: single nucleotide variant.
Coding change: c.*3417T>C on transcript NM_078470.6 (MANE Select); 3417 bases downstream of the stop codon, T replaced by C.
Molecular consequence: 3 prime UTR variant. On other transcripts: non-coding transcript variant (1), intron variant (1).
Genome position (GRCh38, 1-based): chr10:99,711,170, A>G on the plus strand (T>C on the coding strand, the complement: COX15 is on the minus strand). VCF-style: chr10-99711170-A-G. GRCh37 (hg19) VCF-style: chr10-101470927-A-G.
Other names: c.*3598T>C (NM_001320975.2); c.*3417T>C (NM_001320976.2, NM_001372025.1, NM_001372026.1); c.*2636T>C (NM_001372024.1); c.*3521T>C (NM_001372027.1); c.*2844T>C (NM_001372028.1); c.*2244T>C (NM_004376.7); c.*6487A>G (NM_001349962.2, NM_001349963.2, NM_020354.5); c.1101+5178T>C (NM_001320974.2).
Identifiers: ClinVar variation 298387 (VCV000298387.6), dbSNP rs10883407, ClinGen allele CA10629623.

ClinVar aggregate classification (germline): Benign. Review status: criteria provided, multiple submitters, no conflicts (2 of 4 stars). 2 submissions from 2 submitters: Benign (2). Last evaluated 2020-02-18.

Conditions:
Leigh syndrome (NULS). Also called: Leigh's syndrome; Subacute necrotizing encephalopathy; Necrotizing encephalopathy infantile subacute of Leigh; LEIGH SYNDROME, NUCLEAR; Leigh's necrotizing encephalopathy; Leigh's disease. Identifiers: Orphanet 506, MedGen C2931891, MONDO:0009723, OMIM 256000.

Allele frequency attached by ClinVar (database versions not stated): gnomAD 0.09903 and 0.10248; TOPMed 0.10040; gnomAD exomes 0.11038; 1000 Genomes Project 30x 0.11805; 1000 Genomes Project 0.12640.
gnomAD v4.1: 107,764 of 984,884 alleles (11%); highest among the groups gnomAD compares: East Asian, 31%; 6,352 homozygotes.

Submissions (2):

Blueprint Genetics
Classification: Benign. Last evaluated: 2020-02-18. Review status: criteria provided, single submitter. Criteria: ACMG Guidelines, 2015. Collection method: clinical testing. Allele origin: germline.

Illumina Laboratory Services, Illumina
Classification: Benign for Leigh syndrome. Last evaluated: 2018-01-13. Review status: criteria provided, single submitter. Criteria: ICSL Variant Classification Criteria 13 December 2019. Collection method: clinical testing. Allele origin: germline.
Comment: This variant was observed in the ICSL laboratory as part of a predisposition screen in an ostensibly healthy population. It had not been previously curated by ICSL or reported in the Human Gene Mutation Database (HGMD: prior to June 1st, 2018), and was therefore a candidate for classification through an automated scoring system. Utilizing variant allele frequency, disease prevalence and penetrance estimates, and inheritance mode, an automated score was calculated to assess if this variant is too frequent to cause the disease. Based on the score and internal cut-off values, a variant classified as benign is not then subjected to further curation. The score for this variant resulted in a classification of benign for this disease.